The following is an entry in ClinVar:

ClinVar aggregate classification (germline): Pathogenic (1 of 4 stars; one submission).

Conditions:
Inborn genetic diseases. Identifiers: MedGen C0950123, MeSH D030342.

gnomAD v4.1: 1 of 1,613,768 alleles (0.000062%); highest among the groups gnomAD compares: Non-Finnish European, 0.000085%; no homozygotes.

Submission:

Ambry Genetics
Classification: Pathogenic for Inborn genetic diseases. Last evaluated: 2025-10-27. Review status: criteria provided, single submitter. Criteria: Ambry Variant Classification Scheme 2023. Collection method: clinical testing. Allele origin: germline.
Comment: The c.3655C>T (p.R1219*) alteration, located in exon 25 (coding exon 25) of the CACNA1E gene, consists of a C to T substitution at nucleotide position 3655. This changes the amino acid from a arginine (R) to a stop codon at amino acid position 1219. This alteration is expected to result in loss of function by premature protein truncation or nonsense-mediated mRNA decay. for CACNA1E-related neurodevelopmental disorder; however, its clinical significance for CACNA1E-related developmental and epileptic encephalopathy is uncertain. This variant was not reported in population-based cohorts in the Genome Aggregation Database (gnomAD). Based on the available evidence, this alteration is classified as pathogenic.

NM_001205293.3(CACNA1E):c.3655C>T (p.Arg1219Ter)

Gene: CACNA1E (calcium voltage-gated channel subunit alpha1 E; plus strand). Cytogenetic location: 1q25.3.
Variant type: single nucleotide variant.
Coding change: c.3655C>T on transcript NM_001205293.3 (MANE Select); coding-DNA position 3655, C replaced by T.
Protein change: p.Arg1219Ter; replaces arginine 1219 with a stop codon.
Molecular consequence: nonsense.
Genome position (GRCh38, 1-based): chr1:181,739,189, C>T. VCF-style: chr1-181739189-C-T. GRCh37 (hg19) VCF-style: chr1-181708325-C-T.
Other names: c.3655C>T, p.Arg1219Ter (NM_000721.4); c.3598C>T, p.Arg1200Ter (NM_001205294.2); short protein forms R1200*, R1219*.
Identifiers: ClinVar variation 4602858 (VCV004602858.1).